The following is an entry in ClinVar:

NM_005228.5(EGFR):c.1441_1444del (p.Phe481fs)

Gene: EGFR (epidermal growth factor receptor; plus strand). Cytogenetic location: 7p11.2.
Variant type: Deletion.
Coding change: c.1441_1444del on transcript NM_005228.5 (MANE Select); coding-DNA positions 1441 to 1444, 4 bases deleted (TTTG; older notation c.1441_1444delTTTG).
Protein change: p.Phe481fs; shifts the reading frame from phenylalanine 481.
Molecular consequence: frameshift variant.
Genome position (GRCh38, 1-based): chr7:55,160,281-55,160,284, TTTG deleted; deleting any 4 consecutive bases within chr7:55,160,279-55,160,284 gives the same sequence; the c. name uses the placement nearest the transcript's 3' end. VCF-style (leftmost placement, unchanged base first): chr7-55160278-CTGTT-C. GRCh37 (hg19) VCF-style: chr7-55227971-CTGTT-C.
Other names: c.1306_1309del, p.Phe436fs (NM_001346897.2, NM_001346899.2); c.1441_1444del, p.Phe481fs (NM_001346898.2, NM_201282.2, NM_201284.2); c.1282_1285del, p.Phe428fs (NM_001346900.2); c.640_643del, p.Phe214fs (NM_001346941.2); short protein forms F428fs, F481fs, F214fs, F436fs.
Identifiers: ClinVar variation 3644154 (VCV003644154.2).

ClinVar aggregate classification (germline): Pathogenic (1 of 4 stars; one submission).

Conditions:
EGFR-related lung cancer (EGFR). Identifiers: MedGen CN130014.

Submission:

Labcorp Genetics (formerly Invitae), Labcorp
Classification: Pathogenic for EGFR-related lung cancer. Last evaluated: 2024-03-02. Review status: criteria provided, single submitter. Criteria: Invitae Variant Classification Sherloc (09022015). Collection method: clinical testing. Allele origin: germline.
Comment: This sequence change creates a premature translational stop signal (p.Phe481Glyfs*10) in the EGFR gene. It is expected to result in an absent or disrupted protein product. Loss-of-function variants in EGFR are known to be pathogenic (PMID: 7630400, 28726809, 29899996). This variant is not present in population databases (gnomAD no frequency). This variant has not been reported in the literature in individuals affected with EGFR-related conditions. For these reasons, this variant has been classified as Pathogenic.

Literature cited by the submitters: PubMed 7630400; PubMed 28726809; PubMed 29899996.